The following is an entry in ClinVar:

ClinVar aggregate classification (germline): Uncertain significance. Review status: criteria provided, multiple submitters, no conflicts (2 of 4 stars). 2 submissions from 2 submitters: Uncertain significance (2). Last evaluated 2025-06-14.

Conditions:
Inborn genetic diseases. Identifiers: MedGen C0950123, MeSH D030342.

Submissions (2):

Labcorp Genetics (formerly Invitae), Labcorp
Classification: Uncertain significance. Last evaluated: 2025-06-14. Review status: criteria provided, single submitter. Criteria: Invitae Variant Classification Sherloc (09022015). Collection method: clinical testing. Allele origin: germline.
Comment: This sequence change replaces asparagine, which is neutral and polar, with serine, which is neutral and polar, at codon 618 of the STAG2 protein (p.Asn618Ser). This variant is not present in population databases (gnomAD no frequency). This variant has not been reported in the literature in individuals affected with STAG2-related conditions. Invitae Evidence Modeling of protein sequence and biophysical properties (such as structural, functional, and spatial information, amino acid conservation, physicochemical variation, residue mobility, and thermodynamic stability) indicates that this missense variant is not expected to disrupt STAG2 protein function with a negative predictive value of 80%. In summary, the available evidence is currently insufficient to determine the role of this variant in disease. Therefore, it has been classified as a Variant of Uncertain Significance.

Ambry Genetics
Classification: Uncertain significance for Inborn genetic diseases. Last evaluated: 2025-04-09. Review status: criteria provided, single submitter. Criteria: Ambry Variant Classification Scheme 2023. Collection method: clinical testing. Allele origin: germline.

NM_001042750.2(STAG2):c.1853A>G (p.Asn618Ser)

Gene: STAG2 (STAG2 cohesin complex component; plus strand). Cytogenetic location: Xq25.
Variant type: single nucleotide variant.
Coding change: c.1853A>G on transcript NM_001042750.2 (MANE Select); coding-DNA position 1853, A replaced by G.
Protein change: p.Asn618Ser; replaces asparagine 618 with serine.
Molecular consequence: missense variant.
Genome position (GRCh38, 1-based): chrX:124,063,879, A>G. VCF-style: chrX-124063879-A-G. GRCh37 (hg19) VCF-style: chrX-123197729-A-G.
Other names: c.1853A>G, p.Asn618Ser (NM_001042749.2, NM_001042751.2, NM_001282418.2 and 13 more transcripts); short protein forms N618S.
Identifiers: ClinVar variation 3962893 (VCV003962893.2).
Genomic context (GRCh38, chrX:124,063,879, plus strand): 5'-TTTTGATGAAAAATATTATTATTTTGCAGCATTTGGATGCCTTATTGCGACAGATCCGGA[A>G]TATTGTAGAGAAGCACACAGATACAGATGTTTTGGAAGCATGTTCTAAAACTTACCATGC-3'
Protein context (NP_001036215.1, residues 608-628): HLDALLRQIR[Asn618Ser]IVEKHTDTDV